The following is an entry in ClinVar:

NM_031935.3(HMCN1):c.13313G>C (p.Ser4438Thr)

Gene: HMCN1 (hemicentin 1; plus strand). Cytogenetic location: 1q31.1.
Variant type: single nucleotide variant.
Coding change: c.13313G>C on transcript NM_031935.3 (MANE Select); coding-DNA position 13313, G replaced by C.
Protein change: p.Ser4438Thr; replaces serine 4438 with threonine.
Molecular consequence: missense variant.
Genome position (GRCh38, 1-based): chr1:186,136,668, G>C. VCF-style: chr1-186136668-G-C. GRCh37 (hg19) VCF-style: chr1-186105800-G-C.
Other names: short protein forms S4438T.
Identifiers: ClinVar variation 4752258 (VCV004752258.1).
Genomic context (GRCh38, chr1:186,136,668, plus strand): 5'-TGATAAAAAAAAATGCTGTAACTCCACAAAAACTGAGACACTATGTGCTTTTTTCCGTAG[G>C]TCCTCCTATTATCACTCTTGAGCCAGTGGAAACTGTTATTAATGCTGGTGGCAAAATCAT-3'
Protein context (NP_114141.2, residues 4428-4448): VERSMSLTLQ[Ser4438Thr]PPIITLEPVE

ClinVar aggregate classification (germline): Uncertain significance (1 of 4 stars; one submission).

gnomAD v4.1: 16 of 1,613,214 alleles (0.00099%); highest among the groups gnomAD compares: Middle Eastern, 0.033%; no homozygotes.

Submission:

Labcorp Genetics (formerly Invitae), Labcorp
Classification: Uncertain significance. Last evaluated: 2025-12-16. Review status: criteria provided, single submitter. Criteria: Invitae Variant Classification Sherloc (09022015). Collection method: clinical testing. Allele origin: germline.
Comment: This sequence change replaces serine, which is neutral and polar, with threonine, which is neutral and polar, at codon 4438 of the HMCN1 protein (p.Ser4438Thr). This variant is present in population databases (rs61732179, gnomAD 0.004%). This variant has not been reported in the literature in individuals affected with HMCN1-related conditions. An algorithm developed to predict the effect of missense changes on protein structure and function (PolyPhen-2) suggests that this variant is likely to be tolerated. In summary, the available evidence is currently insufficient to determine the role of this variant in disease. Therefore, it has been classified as a Variant of Uncertain Significance.